The following is an entry in ClinVar:

ClinVar aggregate classification (germline): Uncertain significance (1 of 4 stars; one submission).

Conditions:
Hepatic methionine adenosyltransferase deficiency. Also called: Isolated Persistent Hypermethioninemia; Deficiency of methionine adenosyltransferase; MAT I/III DEFICIENCY; Methionine adenosyltransferase deficiency. Identifiers: Orphanet 168598, MedGen C0268621, MeSH C564683, MONDO:0009607, OMIM 250850.

Allele frequency attached by ClinVar (database versions not stated): gnomAD exomes below 0.00001.
gnomAD v4.1: 2 of 1,614,176 alleles (0.00012%); highest among the groups gnomAD compares: Non-Finnish European, 0.00017%; no homozygotes.

Submission:

Labcorp Genetics (formerly Invitae), Labcorp
Classification: Uncertain significance for Hepatic methionine adenosyltransferase deficiency. Last evaluated: 2024-10-24. Review status: criteria provided, single submitter. Criteria: Invitae Variant Classification Sherloc (09022015). Collection method: clinical testing. Allele origin: germline.
Comment: This sequence change replaces arginine, which is basic and polar, with lysine, which is basic and polar, at codon 220 of the MAT1A protein (p.Arg220Lys). This variant is not present in population databases (gnomAD no frequency). This variant has not been reported in the literature in individuals affected with MAT1A-related conditions. Invitae Evidence Modeling of protein sequence and biophysical properties (such as structural, functional, and spatial information, amino acid conservation, physicochemical variation, residue mobility, and thermodynamic stability) indicates that this missense variant is not expected to disrupt MAT1A protein function with a negative predictive value of 80%. In summary, the available evidence is currently insufficient to determine the role of this variant in disease. Therefore, it has been classified as a Variant of Uncertain Significance.

NM_000429.3(MAT1A):c.659G>A (p.Arg220Lys)

Gene: MAT1A (methionine adenosyltransferase 1A; minus strand). Cytogenetic location: 10q22.3.
Variant type: single nucleotide variant.
Coding change: c.659G>A on transcript NM_000429.3 (MANE Select); coding-DNA position 659, G replaced by A.
Protein change: p.Arg220Lys; replaces arginine 220 with lysine.
Molecular consequence: missense variant.
Genome position (GRCh38, 1-based): chr10:80,276,485, C>T on the plus strand (G>A on the coding strand, the complement: MAT1A is on the minus strand). VCF-style: chr10-80276485-C-T. GRCh37 (hg19) VCF-style: chr10-82036241-C-T.
Other names: short protein forms R220K.
Identifiers: ClinVar variation 2776073 (VCV002776073.3), dbSNP rs1263207172, ClinGen allele CA377362066.
Genomic context (GRCh38, chr10:80,276,485, plus strand): 5'-GTGTCTTCGTCCAGGTACTTGGCCGGCACCACGGCCCTGATGACTTGCTCCTTCAGGGCC[C>T]TGCGCATCTCCTCCAGCGTGATGTCTTCGTTGTGCTGCACAGAGATGACGATGGTGTGGA-3'
Protein context (NP_000420.1, residues 210-230): NEDITLEEMR[Arg220Lys]ALKEQVIRAV